The following is an entry in ClinVar:

NM_006164.5(NFE2L2):c.70T>C (p.Trp24Arg)

Gene: NFE2L2 (NFE2 like bZIP transcription factor 2; minus strand). Cytogenetic location: 2q31.2.
Variant type: single nucleotide variant.
Coding change: c.70T>C on transcript NM_006164.5 (MANE Select); coding-DNA position 70, T replaced by C.
Protein change: p.Trp24Arg; replaces tryptophan 24 with arginine.
Molecular consequence: missense variant. On other transcripts: 5 prime UTR variant (1).
Genome position (GRCh38, 1-based): chr2:177,234,247, A>G on the plus strand (T>C on the coding strand, the complement: NFE2L2 is on the minus strand). VCF-style: chr2-177234247-A-G. GRCh37 (hg19) VCF-style: chr2-178098975-A-G.
Other names: c.22T>C, p.Trp8Arg (NM_001145412.3, NM_001145413.3, NM_001313900.1 and 1 more transcripts); c.70T>C, p.Trp24Arg (NM_001313902.2, NM_001313903.2); c.-160T>C (NM_001313904.1); short protein forms W8R, W24R.
Identifiers: ClinVar variation 1810436 (VCV001810436.2), dbSNP rs1328994103, ClinGen allele CA349381985.

ClinVar aggregate classification (germline): Uncertain significance (1 of 4 stars; one submission).
ClinVar aggregate classification (oncogenicity): Likely oncogenic (1 of 4 stars; one submission).

Conditions:
Neoplasm. Also called: tumor; Neoplasms; Neoplasm (disease). Identifiers: MedGen C0027651, MeSH D009369, MONDO:0005070, HP:0002664.

Submissions (2):

Center for Genomic Medicine, Rigshospitalet, Copenhagen University Hospital
Classification: Likely oncogenic for Neoplasm. Last evaluated: 2025-12-29. Review status: criteria provided, single submitter. Criteria: ClinGen/CGC/VICC Guidelines for Oncogenicity, 2022. Collection method: clinical testing. Allele origin: somatic. Affected: yes.

GeneDx
Classification: Uncertain significance. Last evaluated: 2022-07-09. Review status: criteria provided, single submitter. Criteria: GeneDx Variant Classification Process June 2021. Collection method: clinical testing. Allele origin: germline. Affected: yes.
Comment: Not observed at significant frequency in large population cohorts (gnomAD); In silico analysis supports that this missense variant has a deleterious effect on protein structure/function; Has not been previously published as pathogenic or benign to our knowledge

Literature cited by the submitters: PubMed 24366543 (cited by Center for Genomic Medicine, Rigshospitalet, Copenhagen University Hospital); PubMed 29615460 (cited by Center for Genomic Medicine, Rigshospitalet, Copenhagen University Hospital).